The following is an entry in ClinVar:

ClinVar aggregate classification (germline): Pathogenic (1 of 4 stars; one submission).

Conditions:
Capillary malformation-arteriovenous malformation syndrome. Also called: Capillary malformation-arteriovenous malformation. Identifiers: Orphanet 137667, MedGen C1842180, MONDO:0012016.

Submission:

Labcorp Genetics (formerly Invitae), Labcorp
Classification: Pathogenic for Capillary malformation-arteriovenous malformation syndrome. Last evaluated: 2023-08-25. Review status: criteria provided, single submitter. Criteria: Invitae Variant Classification Sherloc (09022015). Collection method: clinical testing. Allele origin: germline.
Comment: A gross deletion of the genomic region encompassing the full coding sequence of the RASA1 gene has been identified. Loss-of-function variants in RASA1 are known to be pathogenic (PMID: 24038909). The boundaries of this event are unknown as they extend beyond the assayed region for this gene and therefore may encompass additional genes. Isolated whole-gene deletions of RASA1 have not been reported in the literature. However, larger copy number events that include this gene have been reported (PMID: 21626678, 26774077). For these reasons, this variant has been classified as Pathogenic.

Literature cited by the submitters: PubMed 24038909; PubMed 21626678; PubMed 26774077.

NC_000005.9:g.(?_86564269)_(86686700_?)del

Gene: RASA1 (RAS p21 protein activator 1; plus strand). Cytogenetic location: 5q14.3.
Variant type: Deletion.
Identifiers: ClinVar variation 1451377 (VCV001451377.3).